The following is an entry in ClinVar:

NM_001329.4(CTBP2):c.534C>T (p.Ile178=)

Gene: CTBP2 (C-terminal binding protein 2; minus strand). Cytogenetic location: 10q26.13.
Variant type: single nucleotide variant.
Coding change: c.534C>T on transcript NM_001329.4 (MANE Select); coding-DNA position 534, C replaced by T.
Protein change: p.Ile178=; no amino-acid change (isoleucine 178 retained).
Molecular consequence: synonymous variant.
Genome position (GRCh38, 1-based): chr10:124,997,995, G>A on the plus strand (C>T on the coding strand, the complement: CTBP2 is on the minus strand). VCF-style: chr10-124997995-G-A. GRCh37 (hg19) VCF-style: chr10-126686564-G-A.
Other names: c.534C>T, p.Ile178= (NM_001083914.3, NM_001290214.3, NM_001290215.3 and 3 more transcripts); c.738C>T, p.Ile246= (NM_001363508.2); c.2154C>T, p.Ile718= (NM_022802.3).
Identifiers: ClinVar variation 5038500 (VCV005038500.1).

ClinVar aggregate classification (germline): Likely benign (1 of 4 stars; one submission).

Submission:

CeGaT Center for Human Genetics Tuebingen
Classification: Likely benign. Last evaluated: 2026-08-01. Review status: criteria provided, single submitter. Criteria: CeGaT Center For Human Genetics Tuebingen Variant Classification Criteria Version 2. Collection method: clinical testing. Allele origin: germline. Affected: yes. Observed: 1 variant allele.
Comment: CTBP2: PM2:Supporting, BP4, BP7